The following is an entry in ClinVar:

ClinVar aggregate classification (germline): Likely benign (0 of 4 stars; one submission).

Conditions:
PLXNA4-related disorder. Also called: PLXNA4-related condition.

Submission:

PreventionGenetics, part of Exact Sciences
Classification: Likely benign for PLXNA4-related condition. Last evaluated: 2021-06-16. Review status: no assertion criteria provided. Collection method: clinical testing. Allele origin: germline.
Comment: This variant is classified as likely benign based on ACMG/AMP sequence variant interpretation guidelines (Richards et al. 2015 PMID: 25741868, with internal and published modifications).

NM_020911.2(PLXNA4):c.3315T>C (p.Pro1105=)

Gene: PLXNA4 (plexin A4; minus strand). Cytogenetic location: 7q32.3.
Variant type: single nucleotide variant.
Coding change: c.3315T>C on transcript NM_020911.2 (MANE Select); coding-DNA position 3315, T replaced by C.
Protein change: p.Pro1105=; no amino-acid change (proline 1105 retained).
Molecular consequence: synonymous variant.
Genome position (GRCh38, 1-based): chr7:132,181,558, A>G on the plus strand (T>C on the coding strand, the complement: PLXNA4 is on the minus strand). VCF-style: chr7-132181558-A-G. GRCh37 (hg19) VCF-style: chr7-131866317-A-G.
Other names: c.3315T>C, p.Pro1105= (NM_001393897.1).
Identifiers: ClinVar variation 3357819 (VCV003357819.1).
Genomic context (GRCh38, chr7:132,181,558, plus strand): 5'-GACGTTGTCCAGGATGAAGCCAAACTCCTCGGGCCTCTCGGTCAGGTCTGACTGGTGGTC[A>G]GGACCCAGAGCGAGGGCGGGCGCCTGACAGGTCATCTCAGTAGCGTTCAGAACCTCACAG-3'
Protein context (NP_065962.1, residues 1095-1115): TCQAPALALG[Pro1105=]DHQSDLTERP